The following is an entry in ClinVar:

NM_000059.4(BRCA2):c.748del (p.Ser249_Val250insTer)

Gene: BRCA2 (BRCA2 DNA repair associated; plus strand). Cytogenetic location: 13q13.1.
Variant type: Deletion.
Coding change: c.748del on transcript NM_000059.4 (MANE Select); coding-DNA position 748, one base deleted (G; older notation c.748delG).
Protein change: p.Ser249_Val250insTer.
Molecular consequence: nonsense.
Genome position (GRCh38, 1-based): chr13:32,330,985, G deleted. VCF-style (leftmost placement, unchanged base first): chr13-32330984-TG-T. GRCh37 (hg19) VCF-style: chr13-32905121-TG-T.
Other names: 976delG; c.748delG (NM_000059.3); c.748del (NM_000059.3).
Identifiers: ClinVar variation 52343 (VCV000052343.17), dbSNP rs80359654, ClinGen allele CA025114.
Genomic context (GRCh38, chr13:32,330,984, plus strand): 5'-GAAAAGCTATTTTTCCAATCATGATGAAAGTCTGAAGAAAAATGATAGATTTATCGCTTC[TG>T]TGACAGACAGTGAAAACACAAATCAAAGAGAAGCTGCAAGTCATGGTAAGTCCTCTGTTT-3'

ClinVar aggregate classification (germline): Pathogenic. Review status: reviewed by expert panel (3 of 4 stars). 6 submissions from 6 submitters: Pathogenic (1). 5 of the submissions do not count toward it. Last evaluated 2016-09-08.

Conditions:
Familial cancer of breast. Also called: BREAST CANCER, FAMILIAL; Hereditary breast cancer; hereditary breast carcinoma. Identifiers: Orphanet 227535, MedGen C0346153, MONDO:0016419, OMIM 114480. Disease mechanism: loss of function.
Hereditary cancer-predisposing syndrome. Also called: Neoplastic Syndromes, Hereditary; Tumor predisposition; Hereditary neoplastic syndrome; Hereditary Cancer Syndrome. Identifiers: Orphanet 140162, MedGen C0027672, MeSH D009386, MONDO:0015356.
Hereditary breast ovarian cancer syndrome. Also called: Hereditary breast and ovarian cancer syndrome; Hereditary breast and ovarian cancer; Hereditary breast and ovarian cancer syndrome (HBOC); Breast and ovarian cancer; Hereditary breast and/or ovarian cancer syndrome; BRCA1- and BRCA2-Associated Hereditary Breast and Ovarian Cancer. Identifiers: Orphanet 145, MedGen C0677776, MeSH D061325, MONDO:0003582. Disease mechanism: loss of function.
Breast-ovarian cancer, familial, susceptibility to, 2 (BROVCA2). Also called: BRCA2 Hereditary Breast and Ovarian Cancer. Identifiers: Orphanet 145, MedGen C2675520, MONDO:0012933, OMIM 612555. Disease mechanism: loss of function.

Submissions (6):

Evidence-based Network for the Interpretation of Germline Mutant Alleles (ENIGMA)
Classification: Pathogenic for Breast-ovarian cancer, familial, susceptibility to, 2. Last evaluated: 2016-09-08. Review status: reviewed by expert panel. Criteria: ENIGMA BRCA1/2 Classification Criteria (2015). Collection method: curation. Allele origin: germline.
Comment: Variant allele predicted to encode a truncated non-functional protein.

Labcorp Genetics (formerly Invitae), Labcorp
Classification: Pathogenic for Hereditary breast ovarian cancer syndrome. Last evaluated: 2024-05-13. Review status: criteria provided, single submitter. Criteria: Invitae Variant Classification Sherloc (09022015). Collection method: clinical testing. Allele origin: germline. Not counted in ClinVar's aggregate classification.
Comment: This sequence change creates a premature translational stop signal (p.Val250*) in the BRCA2 gene. It is expected to result in an absent or disrupted protein product. Loss-of-function variants in BRCA2 are known to be pathogenic (PMID: 20104584). This variant is not present in population databases (gnomAD no frequency). This variant has not been reported in the literature in individuals affected with BRCA2-related conditions. ClinVar contains an entry for this variant (Variation ID: 52343). For these reasons, this variant has been classified as Pathogenic.

Ambry Genetics
Classification: Pathogenic for Hereditary cancer-predisposing syndrome. Last evaluated: 2024-01-25. Review status: criteria provided, single submitter. Criteria: Ambry Variant Classification Scheme 2023. Collection method: clinical testing. Allele origin: germline. Not counted in ClinVar's aggregate classification.
Comment: The c.748delG pathogenic mutation, located in coding exon 8 of the BRCA2 gene, results from a deletion of one nucleotide at nucleotide position 748, causing a translational frameshift with a predicted alternate stop codon (p.V250*). This variant is considered to be rare based on population cohorts in the Genome Aggregation Database (gnomAD). This alteration is expected to result in loss of function by premature protein truncation or nonsense-mediated mRNA decay. As such, this alteration is interpreted as a disease-causing mutation.

Baylor Genetics
Classification: Pathogenic for Familial cancer of breast. Last evaluated: 2022-12-12. Review status: criteria provided, single submitter. Criteria: ACMG Guidelines, 2015. Collection method: clinical testing. Allele origin: unknown. Not counted in ClinVar's aggregate classification.

GeneDx
Classification: Pathogenic. Last evaluated: 2022-05-20. Review status: criteria provided, single submitter. Criteria: GeneDx Variant Classification Process June 2021. Collection method: clinical testing. Allele origin: germline. Affected: yes. Not counted in ClinVar's aggregate classification.
Comment: Nonsense variant predicted to result in protein truncation or nonsense mediated decay in a gene for which loss of function is a known mechanism of disease; Not observed at significant frequency in large population cohorts (gnomAD); Truncating variants in this gene are considered pathogenic by a well-established clinical consortium and/or database; Observed in a patient with breast cancer (Tung 2015); Also known as 976delG; This variant is associated with the following publications: (PMID: 25186627)

Breast Cancer Information Core (BIC) (BRCA2)
Classification: Pathogenic for Breast-ovarian cancer, familial 2. Last evaluated: 2003-12-23. Review status: no assertion criteria provided. Collection method: clinical testing. Allele origin: germline. Affected: yes. Observed: 1 variant allele. Not counted in ClinVar's aggregate classification.

Literature cited by the submitters: PubMed 20104584 (cited by Labcorp Genetics (formerly Invitae), Labcorp); PubMed 25186627 (cited by Ambry Genetics).